The following is an entry in ClinVar:

NM_001852.4(COL9A2):c.792G>A (p.Pro264=)

Gene: COL9A2 (collagen type IX alpha 2 chain; minus strand). Cytogenetic location: 1p34.2.
Variant type: single nucleotide variant.
Coding change: c.792G>A on transcript NM_001852.4 (MANE Select); coding-DNA position 792, G replaced by A.
Protein change: p.Pro264=; no amino-acid change (proline 264 retained).
Molecular consequence: synonymous variant.
Genome position (GRCh38, 1-based): chr1:40,310,111, C>T on the plus strand (G>A on the coding strand, the complement: COL9A2 is on the minus strand). VCF-style: chr1-40310111-C-T. GRCh37 (hg19) VCF-style: chr1-40775783-C-T.
Identifiers: ClinVar variation 511165 (VCV000511165.10), dbSNP rs764969929, ClinGen allele CA791754.
Genomic context (GRCh38, chr1:40,310,111, plus strand): 5'-TCTGTGGCTGTAGCTGTAGGAGCTCCAGCCTCAGGGGTAGGGGAGCAAAAAGAGGCTTAC[C>T]GGTGGCCCAGTGGCACCGATAGCGCCCACCATGCCTTTATATCCATGAGGGCCCTGGGGA-3'
Protein context (NP_001843.1, residues 254-274): MVGAIGATGP[Pro264=]GEEGPRGPPG

ClinVar aggregate classification (germline): Conflicting classifications of pathogenicity. Review status: criteria provided, conflicting classifications (1 of 4 stars). 3 submissions from 3 submitters: Uncertain significance (2); Likely benign (1). Last evaluated 2026-06-02.

Conditions:
COL9A2-related disorder. Also called: COL9A2-related condition.

Allele frequency attached by ClinVar (database versions not stated): TOPMed 0.00001; ExAC 0.00002; gnomAD exomes 0.00002 and 0.00004.
gnomAD v4.1: 35 of 1,614,004 alleles (0.0022%); highest among the groups gnomAD compares: South Asian, 0.015%; no homozygotes.

Submissions (3):

PreventionGenetics, part of Exact Sciences
Classification: Uncertain significance for COL9A2-related condition. Last evaluated: 2026-06-02. Review status: criteria provided, single submitter. Criteria: ACMG Guidelines, 2015. Collection method: clinical testing. Allele origin: germline.
Comment: The COL9A2 c.792G>A variant is not predicted to result in an amino acid change (p.=). This variant is located in the last nucleotide of exon 15 and based on available splicing prediction programs (Alamut Visual Plus v1.13) it is predicted to weaken the canonical splice donor site. However, the use of computer prediction programs is not equivalent to functional evidence. To our knowledge, this variant has not been reported in the literature. This variant is reported in 0.020% of alleles in individuals of South Asian descent in gnomAD. At this time, the clinical significance of this variant is uncertain due to the absence of conclusive functional and genetic evidence.

Labcorp Genetics (formerly Invitae), Labcorp
Classification: Uncertain significance. Last evaluated: 2025-01-27. Review status: criteria provided, single submitter. Criteria: Invitae Variant Classification Sherloc (09022015). Collection method: clinical testing. Allele origin: germline.
Comment: This sequence change affects codon 264 of the COL9A2 mRNA. It is a 'silent' change, meaning that it does not change the encoded amino acid sequence of the COL9A2 protein. This variant also falls at the last nucleotide of exon 15, which is part of the consensus splice site for this exon. This variant is present in population databases (rs764969929, gnomAD 0.02%). This variant has not been reported in the literature in individuals affected with COL9A2-related conditions. ClinVar contains an entry for this variant (Variation ID: 511165). Variants that disrupt the consensus splice site are a relatively common cause of aberrant splicing (PMID: 17576681, 9536098). Algorithms developed to predict the effect of sequence changes on RNA splicing suggest that this variant may disrupt the consensus splice site. In summary, the available evidence is currently insufficient to determine the role of this variant in disease. Therefore, it has been classified as a Variant of Uncertain Significance.

GeneDx
Classification: Likely benign. Last evaluated: 2020-06-05. Review status: criteria provided, single submitter. Criteria: GeneDx Variant Classification Process June 2021. Collection method: clinical testing. Allele origin: germline. Affected: yes.

Literature cited by the submitters: PubMed 17576681 (cited by Labcorp Genetics (formerly Invitae), Labcorp); PubMed 9536098 (cited by Labcorp Genetics (formerly Invitae), Labcorp).